The following is an entry in ClinVar:

ClinVar aggregate classification (germline): Uncertain significance (1 of 4 stars; one submission).

Conditions:
Kabuki syndrome. Also called: NIIKAWA-KUROKI SYNDROME; Kabuki make-up syndrome. Identifiers: Orphanet 2322, MedGen C0796004, MONDO:0016512.

Submission:

Labcorp Genetics (formerly Invitae), Labcorp
Classification: Uncertain significance for Kabuki syndrome. Last evaluated: 2023-07-22. Review status: criteria provided, single submitter. Criteria: Invitae Variant Classification Sherloc (09022015). Collection method: clinical testing. Allele origin: germline.
Comment: In summary, the available evidence is currently insufficient to determine the role of this variant in disease. Therefore, it has been classified as a Variant of Uncertain Significance. This sequence change replaces arginine, which is basic and polar, with glycine, which is neutral and non-polar, at codon 4288 of the KMT2D protein (p.Arg4288Gly). This variant is not present in population databases (gnomAD no frequency). This variant has not been reported in the literature in individuals affected with KMT2D-related conditions. Advanced modeling of protein sequence and biophysical properties (such as structural, functional, and spatial information, amino acid conservation, physicochemical variation, residue mobility, and thermodynamic stability) performed at Invitae indicates that this missense variant is not expected to disrupt KMT2D protein function.

NM_003482.4(KMT2D):c.12862C>G (p.Arg4288Gly)

Gene: KMT2D (lysine methyltransferase 2D; minus strand). Cytogenetic location: 12q13.12.
Variant type: single nucleotide variant.
Coding change: c.12862C>G on transcript NM_003482.4 (MANE Select); coding-DNA position 12862, C replaced by G.
Protein change: p.Arg4288Gly; replaces arginine 4288 with glycine.
Molecular consequence: missense variant.
Genome position (GRCh38, 1-based): chr12:49,031,843, G>C on the plus strand (C>G on the coding strand, the complement: KMT2D is on the minus strand). VCF-style: chr12-49031843-G-C. GRCh37 (hg19) VCF-style: chr12-49425626-G-C.
Other names: short protein forms R4288G.
Identifiers: ClinVar variation 2745958 (VCV002745958.3), dbSNP rs542331667, ClinGen allele CA384708877.